The following is an entry in ClinVar:

NM_005251.3(FOXC2):c.187C>T (p.Gln63Ter)

Genes: FOXC2 (forkhead box C2; plus strand), FOXC2-AS1 (FOXC2 antisense RNA 1; minus strand). Cytogenetic location: 16q24.1.
Variant type: single nucleotide variant.
Coding change: c.187C>T on transcript NM_005251.3 (MANE Select); coding-DNA position 187, C replaced by T.
Protein change: p.Gln63Ter; replaces glutamine 63 with a stop codon.
Molecular consequence: nonsense.
Genome position (GRCh38, 1-based): chr16:86,567,522, C>T. VCF-style: chr16-86567522-C-T. GRCh37 (hg19) VCF-style: chr16-86601128-C-T.
Other names: short protein forms Q63*.
Identifiers: ClinVar variation 3356397 (VCV003356397.1).

ClinVar aggregate classification (germline): Likely pathogenic (0 of 4 stars; one submission).

Conditions:
FOXC2-related disorder. Also called: FOXC2-related condition.

Submission:

PreventionGenetics, part of Exact Sciences
Classification: Likely pathogenic for FOXC2-related condition. Last evaluated: 2024-07-14. Review status: no assertion criteria provided. Collection method: clinical testing. Allele origin: germline.
Comment: The FOXC2 c.187C>T variant is predicted to result in premature protein termination (p.Gln63*). To our knowledge, this variant has not been reported in the literature or in a large population database, indicating this variant is rare. Nonsense variants in FOXC2 are expected to be pathogenic. This variant is interpreted as likely pathogenic.